The following is an entry in ClinVar:

ClinVar aggregate classification (germline): Uncertain significance (1 of 4 stars; one submission).

Submission:

Ambry Genetics
Classification: Uncertain significance. Last evaluated: 2025-02-19. Review status: criteria provided, single submitter. Criteria: Ambry Variant Classification Scheme 2023. Collection method: clinical testing. Allele origin: germline.
Comment: The p.G20V variant (also known as c.59G>T), located in coding exon 1 of the WNK2 gene, results from a G to T substitution at nucleotide position 59. The glycine at codon 20 is replaced by valine, an amino acid with dissimilar properties. This amino acid position is conserved. In addition, this alteration is predicted to be tolerated by in silico analysis. Based on the available evidence, the clinical significance of this variant remains unclear.

NM_006648.4(WNK2):c.59G>T (p.Gly20Val)

Gene: WNK2 (WNK lysine deficient protein kinase 2; plus strand). Cytogenetic location: 9q22.31.
Variant type: single nucleotide variant.
Coding change: c.59G>T on transcript NM_006648.4 (MANE Select); coding-DNA position 59, G replaced by T.
Protein change: p.Gly20Val; replaces glycine 20 with valine.
Molecular consequence: missense variant.
Genome position (GRCh38, 1-based): chr9:93,184,988, G>T. VCF-style: chr9-93184988-G-T. GRCh37 (hg19) VCF-style: chr9-95947270-G-T.
Other names: c.59G>T, p.Gly20Val (NM_001282394.3); short protein forms G20V.
Identifiers: ClinVar variation 3817108 (VCV003817108.1).